The following is an entry in ClinVar:

NM_004369.4(COL6A3):c.4221C>G (p.Pro1407=)

Gene: COL6A3 (collagen type VI alpha 3 chain; minus strand). Cytogenetic location: 2q37.3.
Variant type: single nucleotide variant.
Coding change: c.4221C>G on transcript NM_004369.4 (MANE Select); coding-DNA position 4221, C replaced by G.
Protein change: p.Pro1407=; no amino-acid change (proline 1407 retained).
Molecular consequence: synonymous variant.
Genome position (GRCh38, 1-based): chr2:237,371,796, G>C on the plus strand (C>G on the coding strand, the complement: COL6A3 is on the minus strand). VCF-style: chr2-237371796-G-C. GRCh37 (hg19) VCF-style: chr2-238280439-G-C.
Other names: c.3000C>G, p.Pro1000= (NM_057164.5); c.3603C>G, p.Pro1201= (NM_057165.5, NM_057167.4); c.2400C>G, p.Pro800= (NM_057166.5).
Identifiers: ClinVar variation 894958 (VCV000894958.11), dbSNP rs565366400, ClinGen allele CA2188973.

ClinVar aggregate classification (germline): Benign/Likely benign. Review status: criteria provided, multiple submitters, no conflicts (2 of 4 stars). 2 submissions from 2 submitters: Benign (1); Likely benign (1). Last evaluated 2025-11-27.

Conditions:
Collagen 6-related myopathy. Identifiers: MedGen CN117976, MONDO:0100225.
Bethlem myopathy 1A. Also called: MYOPATHY, BENIGN CONGENITAL, WITH CONTRACTURES; Bethlem myopathy 1; Bethlem Muscular Dystrophy. Identifiers: Orphanet 610, MedGen CN029274, MONDO:0024530, OMIM 158810.

Allele frequency attached by ClinVar (database versions not stated): gnomAD exomes below 0.00001 and 0.00002; gnomAD 0.00001 and 0.00003; ExAC 0.00002; TOPMed 0.00002; 1000 Genomes Project 0.00040; 1000 Genomes Project 30x 0.00062.
gnomAD v4.1: 6 of 1,613,876 alleles (0.00037%); highest among the groups gnomAD compares: East Asian, 0.013%; no homozygotes.

Submissions (2):

Labcorp Genetics (formerly Invitae), Labcorp
Classification: Likely benign for Bethlem myopathy 1A. Last evaluated: 2025-11-27. Review status: criteria provided, single submitter. Criteria: Invitae Variant Classification Sherloc (09022015). Collection method: clinical testing. Allele origin: germline.

Illumina Laboratory Services, Illumina
Classification: Benign for Collagen VI-related myopathy. Last evaluated: 2018-01-13. Review status: criteria provided, single submitter. Criteria: ICSL Variant Classification Criteria 13 December 2019. Collection method: clinical testing. Allele origin: germline.
Comment: This variant was observed in the ICSL laboratory as part of a predisposition screen in an ostensibly healthy population. It had not been previously curated by ICSL or reported in the Human Gene Mutation Database (HGMD: prior to June 1st, 2018), and was therefore a candidate for classification through an automated scoring system. Utilizing variant allele frequency, disease prevalence and penetrance estimates, and inheritance mode, an automated score was calculated to assess if this variant is too frequent to cause the disease. Based on the score and internal cut-off values, a variant classified as benign is not then subjected to further curation. The score for this variant resulted in a classification of benign for this disease.